The following is an entry in ClinVar:

NC_000008.11:g.11564608G>T

Gene: BLK (BLK proto-oncogene, Src family tyrosine kinase). Cytogenetic location: 8p23.1.
Variant type: single nucleotide variant.
Genome position: GRCh38 VCF-style: chr8-11564608-G-T. GRCh37 (hg19) VCF-style: chr8-11422117-G-T.
Identifiers: ClinVar variation 910867 (VCV000910867.9), dbSNP rs767723868, ClinGen allele CA4630573.

ClinVar aggregate classification (germline): Uncertain significance. Review status: criteria provided, multiple submitters, no conflicts (2 of 4 stars). 3 submissions from 3 submitters: Uncertain significance (2). 1 of the submissions does not count toward it. Last evaluated 2018-01-13.

Conditions:
BLK-related disorder. Also called: BLK-related condition.
Maturity-onset diabetes of the young type 11. Identifiers: Orphanet 552, MedGen C3150618, MONDO:0013242, OMIM 613375.

Allele frequency attached by ClinVar (database versions not stated): ExAC 0.00230; TOPMed 0.00001.

Submissions (3):

Illumina Laboratory Services, Illumina
Classification: Uncertain significance for Maturity-onset diabetes of the young type 11. Last evaluated: 2018-01-13. Review status: criteria provided, single submitter. Criteria: ICSL Variant Classification Criteria 13 December 2019. Collection method: clinical testing. Allele origin: germline.

Breakthrough Genomics
Classification: Uncertain significance. Review status: criteria provided, single submitter. Criteria: ACMG Guidelines, 2015. Collection method: not provided. Allele origin: germline. Inheritance: Autosomal recessive inheritance. Affected: yes.

PreventionGenetics, part of Exact Sciences
Classification: Likely benign for BLK-related condition. Last evaluated: 2019-11-25. Review status: no assertion criteria provided. Collection method: clinical testing. Allele origin: germline. Not counted in ClinVar's aggregate classification.
Comment: This variant is classified as likely benign based on ACMG/AMP sequence variant interpretation guidelines (Richards et al. 2015 PMID: 25741868, with internal and published modifications).